The following is an entry in ClinVar:

NM_000891.3(KCNJ2):c.83A>G (p.Asn28Ser)

Gene: KCNJ2 (potassium inwardly rectifying channel subfamily J member 2; plus strand). Cytogenetic location: 17q24.3.
Variant type: single nucleotide variant.
Coding change: c.83A>G on transcript NM_000891.3 (MANE Select); coding-DNA position 83, A replaced by G.
Protein change: p.Asn28Ser; replaces asparagine 28 with serine.
Molecular consequence: missense variant.
Genome position (GRCh38, 1-based): chr17:70,175,122, A>G. VCF-style: chr17-70175122-A-G. GRCh37 (hg19) VCF-style: chr17-68171263-A-G.
Other names: short protein forms N28S.
Identifiers: ClinVar variation 977182 (VCV000977182.1), dbSNP rs2074384666, ClinGen allele CA400859823.
Genomic context (GRCh38, chr17:70,175,122, plus strand): 5'-GCTACAGCATCGTCTCTTCAGAAGAAGACGGTATGAAGTTGGCCACCATGGCAGTTGCAA[A>G]TGGCTTTGGGAACGGGAAGAGTAAAGTCCACACCCGACAACAGTGCAGGAGCCGCTTTGT-3'
Protein context (NP_000882.1, residues 18-38): GMKLATMAVA[Asn28Ser]GFGNGKSKVH

ClinVar aggregate classification (germline): Uncertain significance (0 of 4 stars; one submission).

Conditions:
Brugada syndrome. Also called: Sudden unexpected nocturnal death syndrome; Sudden unexplained nocturnal death syndrome; Sudden Unexplained Death Syndrome; Sudden Unexplained Nocturnal Death Syndrome (SUNDS). Identifiers: Orphanet 130, MedGen C1142166, MONDO:0015263.

Submission:

Agnes Ginges Centre for Molecular Cardiology, Centenary Institute
Classification: Uncertain significance for Brugada syndrome. Last evaluated: 2020-04-07. Review status: no assertion criteria provided. Collection method: research. Allele origin: germline. Inheritance: Autosomal dominant inheritance. Affected: yes.
Comment: This variant has been identified as part of our research program. For further information please feel free to contact us.